The following is an entry in ClinVar:

ClinVar aggregate classification (germline): Uncertain significance (1 of 4 stars; one submission).

Submission:

Labcorp Genetics (formerly Invitae), Labcorp
Classification: Uncertain significance. Last evaluated: 2025-05-18. Review status: criteria provided, single submitter. Criteria: Invitae Variant Classification Sherloc (09022015). Collection method: clinical testing. Allele origin: germline.
Comment: This sequence change replaces proline, which is neutral and non-polar, with histidine, which is basic and polar, at codon 168 of the CREB3L1 protein (p.Pro168His). This variant is not present in population databases (gnomAD no frequency). This variant has not been reported in the literature in individuals affected with CREB3L1-related conditions. An algorithm developed to predict the effect of missense changes on protein structure and function (PolyPhen-2) suggests that this variant is likely to be disruptive. In summary, the available evidence is currently insufficient to determine the role of this variant in disease. Therefore, it has been classified as a Variant of Uncertain Significance.

NM_052854.4(CREB3L1):c.503C>A (p.Pro168His)

Gene: CREB3L1 (cAMP responsive element binding protein 3 like 1; plus strand). Cytogenetic location: 11p11.2.
Variant type: single nucleotide variant.
Coding change: c.503C>A on transcript NM_052854.4 (MANE Select); coding-DNA position 503, C replaced by A.
Protein change: p.Pro168His; replaces proline 168 with histidine.
Molecular consequence: missense variant. On other transcripts: non-coding transcript variant (1), intron variant (1).
Genome position (GRCh38, 1-based): chr11:46,307,987, C>A. VCF-style: chr11-46307987-C-A. GRCh37 (hg19) VCF-style: chr11-46329538-C-A.
Other names: c.503C>A, p.Pro168His (NM_001425266.1); c.497C>A, p.Pro166His (NM_001425267.1); c.365C>A, p.Pro122His (NM_001425268.1); c.332-3045C>A (NM_001425269.1); short protein forms P122H, P166H, P168H.
Identifiers: ClinVar variation 4719045 (VCV004719045.1).
Genomic context (GRCh38, chr11:46,307,987, plus strand): 5'-CTGCCGCGGCCGCCATGGCCACCACCCCGCTGCTGGGCCTCAGCCCCTTGTCCAGGCTGC[C>A]CATCCCCCACCAGGTGAGCCTGGGAACTGTTTGTAGCGGCTGAGGGAGGGAGGAGGGCTG-3'
Protein context (NP_443086.1, residues 158-178): LLGLSPLSRL[Pro168His]IPHQAPGEMT